The following is an entry in ClinVar:

ClinVar aggregate classification (germline): Uncertain significance. Review status: criteria provided, multiple submitters, no conflicts (2 of 4 stars). 3 submissions from 3 submitters: Uncertain significance (2). 1 of the submissions does not count toward it. Last evaluated 2024-04-10.

Conditions:
Hermansky-Pudlak syndrome (HPS). Also called: ALBINISM WITH HEMORRHAGIC DIATHESIS AND PIGMENTED RETICULOENDOTHELIAL CELLS. Identifiers: Orphanet 79430, MedGen C0079504, MONDO:0019312.

gnomAD v4.1: 3 of 1,605,668 alleles (0.00019%); highest among the groups gnomAD compares: South Asian, 0.0011%; no homozygotes.

Submissions (3):

Mayo Clinic Laboratories, Mayo Clinic
Classification: Uncertain significance. Last evaluated: 2024-04-10. Review status: criteria provided, single submitter. Criteria: ACMG Guidelines, 2015. Collection method: clinical testing. Allele origin: germline. Observed: 1 variant allele.
Comment: BP4, PM1_supporting, PM2_moderate

Labcorp Genetics (formerly Invitae), Labcorp
Classification: Uncertain significance. Last evaluated: 2022-06-23. Review status: criteria provided, single submitter. Criteria: Invitae Variant Classification Sherloc (09022015). Collection method: clinical testing. Allele origin: germline.
Comment: This sequence change replaces methionine, which is neutral and non-polar, with valine, which is neutral and non-polar, at codon 619 of the HPS1 protein (p.Met619Val). This variant is not present in population databases (gnomAD no frequency). This variant has not been reported in the literature in individuals affected with HPS1-related conditions. ClinVar contains an entry for this variant (Variation ID: 990830). Algorithms developed to predict the effect of missense changes on protein structure and function (SIFT, PolyPhen-2, Align-GVGD) all suggest that this variant is likely to be tolerated. Algorithms developed to predict the effect of sequence changes on RNA splicing suggest that this variant may create or strengthen a splice site. In summary, the available evidence is currently insufficient to determine the role of this variant in disease. Therefore, it has been classified as a Variant of Uncertain Significance.

Natera, Inc.
Classification: Uncertain significance for Hermansky-Pudlak syndrome. Last evaluated: 2020-04-10. Review status: no assertion criteria provided. Collection method: clinical testing. Allele origin: germline. Not counted in ClinVar's aggregate classification.

NM_000195.5(HPS1):c.1855A>G (p.Met619Val)

Gene: HPS1 (HPS1 biogenesis of lysosomal organelles complex 3 subunit 1; minus strand). Cytogenetic location: 10q24.2.
Variant type: single nucleotide variant.
Coding change: c.1855A>G on transcript NM_000195.5 (MANE Select); coding-DNA position 1855, A replaced by G.
Protein change: p.Met619Val; replaces methionine 619 with valine.
Molecular consequence: missense variant.
Genome position (GRCh38, 1-based): chr10:98,420,047, T>C on the plus strand (A>G on the coding strand, the complement: HPS1 is on the minus strand). VCF-style: chr10-98420047-T-C. GRCh37 (hg19) VCF-style: chr10-100179804-T-C.
Other names: p.Met619Val; c.883A>G, p.Met295Val (NM_001311345.2, NM_001322487.2, NM_001322489.2); c.1855A>G, p.Met619Val (NM_001322476.2, NM_001322477.2); c.1756A>G, p.Met586Val (NM_001322478.2, NM_001322479.2); c.1594A>G, p.Met532Val (NM_001322480.2, NM_001322481.2); c.1495A>G, p.Met499Val (NM_001322482.2); c.1486A>G, p.Met496Val (NM_001322483.2, NM_001322484.2); c.1387A>G, p.Met463Val (NM_001322485.2); short protein forms M295V, M463V, M496V, M499V, M532V, M586V, M619V.
Identifiers: ClinVar variation 990830 (VCV000990830.4), dbSNP rs1844649182, ClinGen allele CA378043435.